The following is an entry in ClinVar:

ClinVar aggregate classification (germline): Uncertain significance (1 of 4 stars; one submission).

Conditions:
Hereditary cancer-predisposing syndrome. Also called: Tumor predisposition; Hereditary Cancer Syndrome; Hereditary neoplastic syndrome; Neoplastic Syndromes, Hereditary. Identifiers: Orphanet 140162, MedGen C0027672, MeSH D009386, MONDO:0015356.

Submission:

Ambry Genetics
Classification: Uncertain significance for Hereditary cancer-predisposing syndrome. Last evaluated: 2024-05-24. Review status: criteria provided, single submitter. Criteria: Ambry Variant Classification Scheme 2023. Collection method: clinical testing. Allele origin: germline.
Comment: The p.D98N variant (also known as c.292G>A), located in coding exon 3 of the EPCAM gene, results from a G to A substitution at nucleotide position 292. The aspartic acid at codon 98 is replaced by asparagine, an amino acid with highly similar properties. This amino acid position is conserved. In addition, this alteration is predicted to be tolerated by in silico analysis. Based on the available evidence, the clinical significance of this variant remains unclear.

NM_002354.3(EPCAM):c.292G>A (p.Asp98Asn)

Gene: EPCAM (epithelial cell adhesion molecule; plus strand). Cytogenetic location: 2p21.
Variant type: single nucleotide variant.
Coding change: c.292G>A on transcript NM_002354.3 (MANE Select); coding-DNA position 292, G replaced by A.
Protein change: p.Asp98Asn; replaces aspartic acid 98 with asparagine.
Molecular consequence: missense variant.
Genome position (GRCh38, 1-based): chr2:47,373,915, G>A. VCF-style: chr2-47373915-G-A. GRCh37 (hg19) VCF-style: chr2-47601054-G-A.
Other names: short protein forms D98N.
Identifiers: ClinVar variation 3275846 (VCV003275846.1).